The following is an entry in ClinVar:

NM_000384.3(APOB):c.6808A>G (p.Lys2270Glu)

Gene: APOB (apolipoprotein B; minus strand). Cytogenetic location: 2p24.1.
Variant type: single nucleotide variant.
Coding change: c.6808A>G on transcript NM_000384.3 (MANE Select); coding-DNA position 6808, A replaced by G.
Protein change: p.Lys2270Glu; replaces lysine 2270 with glutamic acid.
Molecular consequence: missense variant.
Genome position (GRCh38, 1-based): chr2:21,010,060, T>C on the plus strand (A>G on the coding strand, the complement: APOB is on the minus strand). VCF-style: chr2-21010060-T-C. GRCh37 (hg19) VCF-style: chr2-21232932-T-C.
Other names: short protein forms K2270E.
Identifiers: ClinVar variation 1755552 (VCV001755552.2), dbSNP rs1663264050, ClinGen allele CA346000679.

ClinVar aggregate classification (germline): Uncertain significance (1 of 4 stars; one submission).

Conditions:
Cardiovascular phenotype. Identifiers: MedGen CN230736.

Allele frequency attached by ClinVar (database versions not stated): TOPMed below 0.00001; gnomAD exomes 0.00001.
gnomAD v4.1: 17 of 1,613,604 alleles (0.0011%); highest among the groups gnomAD compares: Non-Finnish European, 0.0014%; no homozygotes.

Submission:

Ambry Genetics
Classification: Uncertain significance for Cardiovascular phenotype. Last evaluated: 2022-04-06. Review status: criteria provided, single submitter. Criteria: Ambry Variant Classification Scheme 2023. Collection method: clinical testing. Allele origin: germline.
Comment: The p.K2270E variant (also known as c.6808A>G), located in coding exon 26 of the APOB gene, results from an A to G substitution at nucleotide position 6808. The lysine at codon 2270 is replaced by glutamic acid, an amino acid with similar properties. This amino acid position is conserved. In addition, this alteration is predicted to be tolerated by in silico analysis. Since supporting evidence is limited at this time, the clinical significance of this alteration remains unclear.